The following is an entry in ClinVar:

NM_022124.6(CDH23):c.9569C>T (p.Ala3190Val)

Gene: CDH23 (cadherin related 23; plus strand). Cytogenetic location: 10q22.1.
Variant type: single nucleotide variant.
Coding change: c.9569C>T on transcript NM_022124.6 (MANE Select); coding-DNA position 9569, C replaced by T.
Protein change: p.Ala3190Val; replaces alanine 3190 with valine.
Molecular consequence: missense variant.
Genome position (GRCh38, 1-based): chr10:71,812,826, C>T. VCF-style: chr10-71812826-C-T. GRCh37 (hg19) VCF-style: chr10-73572583-C-T.
Other names: c.2849C>T, p.Ala950Val (NM_001171933.1, NM_001171934.1); c.260C>T, p.Ala87Val (NM_001171935.1, NM_001171936.1); short protein forms A3190V, A950V, A87V.
Identifiers: ClinVar variation 46076 (VCV000046076.74), dbSNP rs111033536, ClinGen allele CA137643.

ClinVar aggregate classification (germline): Uncertain significance. Review status: reviewed by expert panel (3 of 4 stars). 11 submissions from 11 submitters: Uncertain significance (1). 10 of the submissions do not count toward it. Last evaluated 2023-11-15.

Conditions:
CDH23-related disorder. Also called: CDH23-related condition; CDH23-related disorders.
Usher syndrome. Also called: Usher Syndromes; Usher's syndrome. Identifiers: Orphanet 886, MedGen CN469326, MeSH D052245, MONDO:0019501. Disease mechanism: loss of function.
Pituitary adenoma 5, multiple types. Identifiers: MedGen C4539685, MONDO:0054601, OMIM 617540.
Usher syndrome type 1D (USH1D). Also called: USHER SYNDROME, TYPE ID. Identifiers: Orphanet 231169, Orphanet 886, MedGen C1832845, MONDO:0010984, OMIM 601067.
Autosomal recessive nonsyndromic hearing loss 12. Also called: DEAFNESS, AUTOSOMAL RECESSIVE 12. Identifiers: Orphanet 90636, MedGen C1832394, MONDO:0011067, OMIM 601386.
Hearing impairment. Also called: Impaired Hearing. Identifiers: MedGen C1384666, MONDO:0005365, HP:0000365.

Allele frequency attached by ClinVar (database versions not stated): ESP Exome Variant Server 0.00016; ExAC 0.00029; gnomAD exomes 0.00034; TOPMed 0.00035; gnomAD 0.00036 and 0.00037.
gnomAD v4.1: 786 of 1,613,470 alleles (0.049%); highest among the groups gnomAD compares: Non-Finnish European, 0.059%; no homozygotes.

Submissions (11):

ClinGen Hearing Loss Variant Curation Expert Panel
Classification: Uncertain significance for Usher syndrome. Last evaluated: 2023-11-15. Review status: reviewed by expert panel. Criteria: Clingen Hl Acmg Specifications Cdh23 Coch Gjb2 Kcnq4 Myo6 Myo7a Slc26a4 Tecta Ush2a V2. Collection method: curation. Allele origin: germline. Inheritance: Autosomal recessive inheritance.
Comment: The c.9569C>T variant (NM_022124.6(CDH23):c.9569C>T (p.Ala3190Val)) in CDH23 is a missense variant predicted to cause substitution of alanine by valine at amino acid 3190 (p.Ala3190Val). The highest minor allele frequency in gnomAD v4.0.0 is 694/1179698 alleles (0.0005517), in the European (non-Finnish) population (no population codes met). This variant has been observed in a homozygous state in one parent reported to have no features of Usher syndrome (BS2; Invitae internal data; ClinVar SCV001110059.2). The computational predictor REVEL gives a score of 0.836, which is above the Hearing Loss VCEP threshold of 0.7, evidence that correlates with impact to CDH23 function (PP3). The variant was found in a compound heterozygous state with a deletion of exon 29, a variant which was not able to be confirmed by aCGH (PMID: 25404053). The variant was also found in an unknown phase with p.Arg3206Cys (c.9616C>T), a variant of uncertain significance, in an affected patient with nonsyndromic hearing loss (PMID: 27068579; PM3 not met). In summary, the clinical significance of this variant is uncertain. ACMG/AMP criteria applied, as specified by the ClinGen Hearing Loss Expert Panel: BS2, PP3 (Version 2; 11/15/2023).

Labcorp Genetics (formerly Invitae), Labcorp
Classification: Benign. Last evaluated: 2026-01-11. Review status: criteria provided, single submitter. Criteria: Invitae Variant Classification Sherloc (09022015). Collection method: clinical testing. Allele origin: germline. Not counted in ClinVar's aggregate classification.

GeneDx
Classification: Uncertain significance. Last evaluated: 2025-10-16. Review status: criteria provided, single submitter. Criteria: GeneDx Variant Classification Process June 2021. Collection method: clinical testing. Allele origin: germline. Affected: yes. Not counted in ClinVar's aggregate classification.
Comment: Identified in a patient with nonsyndromic hearing loss, along with a second variant with unknown phase in published literature (PMID: 27068579); In silico analysis suggests that this missense variant does not alter protein structure/function; This variant is associated with the following publications: (PMID: 30245029, 32387678, 31445392, 36672845, 27068579, 25404053)

Blueprint Genetics
Classification: Uncertain significance. Last evaluated: 2024-10-25. Review status: criteria provided, single submitter. Criteria: ACMG Guidelines, 2015. Collection method: clinical testing. Allele origin: germline. Not counted in ClinVar's aggregate classification.

Baylor Genetics
Classification: Uncertain significance for Pituitary adenoma 5, multiple types. Last evaluated: 2023-10-30. Review status: criteria provided, single submitter. Criteria: ACMG Guidelines, 2015. Collection method: clinical testing. Allele origin: unknown. Not counted in ClinVar's aggregate classification.

Women's Health and Genetics/Laboratory Corporation of America, LabCorp
Classification: Uncertain significance. Last evaluated: 2023-09-13. Review status: criteria provided, single submitter. Criteria: LabCorp Variant Classification Summary - May 2015. Collection method: clinical testing. Allele origin: germline. Not counted in ClinVar's aggregate classification.
Comment: Variant summary: CDH23 c.9569C>T (p.Ala3190Val) results in a non-conservative amino acid change in the encoded protein sequence. Five of five in-silico tools predict a damaging effect of the variant on protein function. The variant allele was found at a frequency of 0.00034 in 247998 control chromosomes (gnomAD). This frequency is not significantly higher than estimated for a pathogenic variant in CDH23 causing Usher Syndrome (0.00034 vs 0.0032), allowing no conclusion about variant significance. c.9569C>T has been reported in the literature in individuals with hearing loss (e.g., Aparisi_2014, Sommen_2016, Clabout_2022), however without strong evidence of causality in all cases (e.g., lack of a second confirmed CDH23 allele and/or segregation/phase not determined). This variant was also listed as an expert curated classification of "likely pathogenic" in the Deafness Variation Database (DVD) (e.g., Azaiez_2018) and cited by others (e.g., Chen_2019). These reports therefore do not provide unequivocal conclusions about association of the variant with Usher Syndrome. To our knowledge, no experimental evidence demonstrating an impact on protein function has been reported. The following publications have been ascertained in the context of this evaluation (PMID: 25404053, 30245029, 27068579, 36672845, 31445392). Eight clinical diagnostic laboratories have submitted clinical-significance assessments for this variant to ClinVar after 2014 without evidence for independent evaluation. Multiple laboratories reported the variant with conflicting assessments (VUS, n=6; Likely pathogenic, n=1; Benign, n=1). Based on the evidence outlined above, the variant was classified as uncertain significance.

CeGaT Center for Human Genetics Tuebingen
Classification: Uncertain significance. Last evaluated: 2022-08-01. Review status: criteria provided, single submitter. Criteria: CeGaT Center For Human Genetics Tuebingen Variant Classification Criteria Version 2. Collection method: clinical testing. Allele origin: germline. Affected: yes. Observed: 2 variant alleles. Not counted in ClinVar's aggregate classification.
Comment: CDH23: PP3

Fulgent Genetics
Classification: Uncertain significance for Usher syndrome type 1D; Autosomal recessive nonsyndromic hearing loss 12; Pituitary adenoma 5, multiple types. Last evaluated: 2022-05-04. Review status: criteria provided, single submitter. Criteria: ACMG Guidelines, 2015. Collection method: clinical testing. Allele origin: unknown. Not counted in ClinVar's aggregate classification.

Department of Otolaryngology – Head & Neck Surgery, Cochlear Implant Center
Classification: Likely pathogenic for Hearing impairment. Last evaluated: 2021-04-12. Review status: criteria provided, single submitter. Criteria: ClinGen HL ACMG Specifications v1. Collection method: clinical testing. Allele origin: germline. Affected: yes. Not counted in ClinVar's aggregate classification.
Comment: PS1_Moderate, PM2_Moderate, PP3_Supporting

Laboratory for Molecular Medicine, Mass General Brigham Personalized Medicine
Classification: Uncertain significance. Last evaluated: 2017-09-12. Review status: criteria provided, single submitter. Criteria: LMM Criteria. Collection method: clinical testing. Allele origin: germline. Observed: 4 variant alleles. Not counted in ClinVar's aggregate classification.
Comment: The p.Ala3190Val variant in CDH23 has been reported in 1 individual with Usher s yndrome who also had a duplication of exon 29 in CDH23 that is of uncertain sign ificance (Aparisi 2014), and in 1 individual with hearing loss who also had the p.Arg3206Cys variant of uncertain significance in CDH23 (Sommen 2016). The p.Ala 3190Val variant has also been identified by our laboratory in the heterozygous s tate in 3 individuals with hearing loss; however, a variant affecting the remain ing copy of CDH23 was not identified in any of these individuals. This variant h as been identified in 0.08% (8/10122) of Ashkenazi Jewish chromosomes and 0.05% (64/126200) European chromosomes by Genome Aggregation Database (gnomAD; dbSNP rs111033536). Although this variant has been se en in the general population, its frequency is not high enough to rule out a pat hogenic role. Computational prediction tools and conservation analyses suggest t hat this variant may impact the protein, though this information is not predicti ve enough to determine pathogenicity. In summary, the clinical significance of t he p.Ala3190Val variant is uncertain.

PreventionGenetics, part of Exact Sciences
Classification: Uncertain significance for CDH23-related condition. Last evaluated: 2024-09-12. Review status: no assertion criteria provided. Collection method: clinical testing. Allele origin: germline. Not counted in ClinVar's aggregate classification.
Comment: The CDH23 c.9569C>T variant is predicted to result in the amino acid substitution p.Ala3190Val. This variant has been reported in the presumed compound heterozygous state with a duplication of exon 29 (that was not confirmed by orthogonal method) in an individual with Usher syndrome (Aparisi et al. 2014. PubMed ID: 25404053). It has also been reported together with another variant of uncertain significance in CDH23 in patient with hearing loss (Table S2, Sommen et al. 2016. PubMed ID: 27068579) and in the heterozygous state without a second disease-causing variant in another individual with non-syndromic hearing loss (NSHL) (Table A2, Clabout et al. 2022. PubMed ID: 36672845). This variant is reported in 0.068% of alleles in individuals of Ashkenazi Jewish descent in gnomAD. At this time, the clinical significance of this variant is uncertain due to the absence of conclusive functional and genetic evidence.

Literature cited by the submitters: PubMed 30245029 (cited by Women's Health and Genetics/Laboratory Corporation of America, LabCorp); PubMed 31445392 (cited by Women's Health and Genetics/Laboratory Corporation of America, LabCorp); PubMed 27068579 (cited by Women's Health and Genetics/Laboratory Corporation of America, LabCorp and Laboratory for Molecular Medicine, Mass General Brigham Personalized Medicine); PubMed 25404053 (cited by 3 submitters); PubMed 36672845 (cited by Women's Health and Genetics/Laboratory Corporation of America, LabCorp).